The following is an entry in ClinVar:

ClinVar aggregate classification (germline): Likely benign. Review status: criteria provided, single submitter (1 of 4 stars). 2 submissions from 2 submitters: Likely benign (1). 1 of the submissions does not count toward it. Last evaluated 2025-07-21.

Conditions:
NTRK2-related disorder. Also called: NTRK2-related condition.

Allele frequency attached by ClinVar (database versions not stated): ExAC 0.00001; gnomAD 0.00002; TOPMed 0.00002; gnomAD exomes 0.00004 and 0.00006.
gnomAD v4.1: 95 of 1,613,418 alleles (0.0059%); highest among the groups gnomAD compares: Non-Finnish European, 0.0075%; no homozygotes.

Submissions (2):

Labcorp Genetics (formerly Invitae), Labcorp
Classification: Likely benign. Last evaluated: 2025-07-21. Review status: criteria provided, single submitter. Criteria: Invitae Variant Classification Sherloc (09022015). Collection method: clinical testing. Allele origin: germline.

PreventionGenetics, part of Exact Sciences
Classification: Likely benign for NTRK2-related condition. Last evaluated: 2022-01-31. Review status: no assertion criteria provided. Collection method: clinical testing. Allele origin: germline. Not counted in ClinVar's aggregate classification.
Comment: This variant is classified as likely benign based on ACMG/AMP sequence variant interpretation guidelines (Richards et al. 2015 PMID: 25741868, with internal and published modifications).

NM_006180.6(NTRK2):c.2010G>T (p.Leu670=)

Gene: NTRK2 (neurotrophic receptor tyrosine kinase 2; plus strand). Cytogenetic location: 9q21.33.
Variant type: single nucleotide variant.
Coding change: c.2010G>T on transcript NM_006180.6 (MANE Select); coding-DNA position 2010, G replaced by T.
Protein change: p.Leu670=; no amino-acid change (leucine 670 retained).
Molecular consequence: synonymous variant.
Genome position (GRCh38, 1-based): chr9:84,955,355, G>T. VCF-style: chr9-84955355-G-T. GRCh37 (hg19) VCF-style: chr9-87570270-G-T.
Other names: c.2010G>T (NM_006180.4); c.1962G>T, p.Leu654= (NM_001018064.3, NM_001369532.1, NM_001369533.1); c.1926G>T, p.Leu642= (NM_001369534.1); c.1494G>T, p.Leu498= (NM_001369535.1); c.1542G>T, p.Leu514= (NM_001369536.1).
Identifiers: ClinVar variation 1670171 (VCV001670171.10), dbSNP rs199924901, ClinGen allele CA5105903.